The following is an entry in ClinVar:

NM_001852.4(COL9A2):c.630+1G>T

Gene: COL9A2 (collagen type IX alpha 2 chain; minus strand). Cytogenetic location: 1p34.2.
Variant type: single nucleotide variant.
Coding change: c.630+1G>T on transcript NM_001852.4 (MANE Select); the canonical splice donor site of the intron after coding-DNA position 630, G replaced by T.
Molecular consequence: splice donor variant.
Genome position (GRCh38, 1-based): chr1:40,311,092, C>A on the plus strand (G>T on the coding strand, the complement: COL9A2 is on the minus strand). VCF-style: chr1-40311092-C-A. GRCh37 (hg19) VCF-style: chr1-40776764-C-A.
Identifiers: ClinVar variation 1407878 (VCV001407878.8), dbSNP rs1644115857, ClinGen allele CA339855714.

ClinVar aggregate classification (germline): Uncertain significance (1 of 4 stars; one submission).

Submission:

Labcorp Genetics (formerly Invitae), Labcorp
Classification: Uncertain significance. Last evaluated: 2022-02-10. Review status: criteria provided, single submitter. Criteria: Invitae Variant Classification Sherloc (09022015). Collection method: clinical testing. Allele origin: germline.
Comment: In summary, the available evidence is currently insufficient to determine the role of this variant in disease. Therefore, it has been classified as a Variant of Uncertain Significance. Algorithms developed to predict the effect of sequence changes on RNA splicing suggest that this variant may disrupt the consensus splice site. This variant has not been reported in the literature in individuals affected with COL9A2-related conditions. This variant is not present in population databases (gnomAD no frequency). This sequence change affects a donor splice site in intron 12 of the COL9A2 gene. It is expected to disrupt RNA splicing. Variants that disrupt the donor or acceptor splice site typically lead to a loss of protein function (PMID: 16199547), however the current clinical and genetic evidence is not sufficient to establish whether loss-of-function variants in COL9A2 cause disease.

Literature cited by the submitters: PubMed 16199547.